The following is an entry in ClinVar:

ClinVar aggregate classification (germline): Uncertain significance. Review status: criteria provided, multiple submitters, no conflicts (2 of 4 stars). 2 submissions from 2 submitters: Uncertain significance (2). Last evaluated 2023-03-23.

Allele frequency attached by ClinVar (database versions not stated): gnomAD 0.00001; TOPMed 0.00001.
gnomAD v4.1: 7 of 1,614,004 alleles (0.00043%); highest among the groups gnomAD compares: Non-Finnish European, 0.00059%; no homozygotes.

Submissions (2):

Labcorp Genetics (formerly Invitae), Labcorp
Classification: Uncertain significance. Last evaluated: 2023-03-23. Review status: criteria provided, single submitter. Criteria: Invitae Variant Classification Sherloc (09022015). Collection method: clinical testing. Allele origin: germline.
Comment: This sequence change replaces threonine, which is neutral and polar, with methionine, which is neutral and non-polar, at codon 1352 of the SNRNP200 protein (p.Thr1352Met). This variant is not present in population databases (gnomAD no frequency). This variant has not been reported in the literature in individuals affected with SNRNP200-related conditions. ClinVar contains an entry for this variant (Variation ID: 1362116). Advanced modeling of protein sequence and biophysical properties (such as structural, functional, and spatial information, amino acid conservation, physicochemical variation, residue mobility, and thermodynamic stability) performed at Invitae indicates that this missense variant is expected to disrupt SNRNP200 protein function. In summary, the available evidence is currently insufficient to determine the role of this variant in disease. Therefore, it has been classified as a Variant of Uncertain Significance.

Blueprint Genetics
Classification: Uncertain significance. Last evaluated: 2021-08-17. Review status: criteria provided, single submitter. Criteria: ACMG Guidelines, 2015. Collection method: clinical testing. Allele origin: germline.

NM_014014.5(SNRNP200):c.4055C>T (p.Thr1352Met)

Gene: SNRNP200 (small nuclear ribonucleoprotein U5 subunit 200; minus strand). Cytogenetic location: 2q11.2.
Variant type: single nucleotide variant.
Coding change: c.4055C>T on transcript NM_014014.5 (MANE Select); coding-DNA position 4055, C replaced by T.
Protein change: p.Thr1352Met; replaces threonine 1352 with methionine.
Molecular consequence: missense variant.
Genome position (GRCh38, 1-based): chr2:96,285,289, G>A on the plus strand (C>T on the coding strand, the complement: SNRNP200 is on the minus strand). VCF-style: chr2-96285289-G-A. GRCh37 (hg19) VCF-style: chr2-96951027-G-A.
Other names: short protein forms T1352M.
Identifiers: ClinVar variation 1362116 (VCV001362116.9), dbSNP rs1410347323, ClinGen allele CA347669146.